The following is an entry in ClinVar:

ClinVar aggregate classification (germline): Uncertain significance (1 of 4 stars; one submission).

Conditions:
T-B+ severe combined immunodeficiency due to JAK3 deficiency. Also called: SCID, autosomal recessive, T-negative/B-positive type; SCID, T CELL-NEGATIVE, B CELL-POSITIVE, NK CELL-NEGATIVE. Identifiers: Orphanet 35078, MedGen C1833275, MONDO:0010938, OMIM 600802.

gnomAD v4.1: 3 of 1,614,222 alleles (0.00019%); highest among the groups gnomAD compares: South Asian, 0.0011%; no homozygotes.

Submission:

Labcorp Genetics (formerly Invitae), Labcorp
Classification: Uncertain significance for T-B+ severe combined immunodeficiency due to JAK3 deficiency. Last evaluated: 2022-05-31. Review status: criteria provided, single submitter. Criteria: Invitae Variant Classification Sherloc (09022015). Collection method: clinical testing. Allele origin: germline.
Comment: This sequence change replaces aspartic acid, which is acidic and polar, with asparagine, which is neutral and polar, at codon 846 of the JAK3 protein (p.Asp846Asn). This variant is present in population databases (no rsID available, gnomAD 0.003%). This variant has not been reported in the literature in individuals affected with JAK3-related conditions. Algorithms developed to predict the effect of missense changes on protein structure and function are either unavailable or do not agree on the potential impact of this missense change (SIFT: "Deleterious"; PolyPhen-2: "Probably Damaging"; Align-GVGD: "Class C0"). In summary, the available evidence is currently insufficient to determine the role of this variant in disease. Therefore, it has been classified as a Variant of Uncertain Significance.

NM_000215.4(JAK3):c.2536G>A (p.Asp846Asn)

Gene: JAK3 (Janus kinase 3; minus strand). Cytogenetic location: 19p13.11.
Variant type: single nucleotide variant.
Coding change: c.2536G>A on transcript NM_000215.4 (MANE Select); coding-DNA position 2536, G replaced by A.
Protein change: p.Asp846Asn; replaces aspartic acid 846 with asparagine.
Molecular consequence: missense variant.
Genome position (GRCh38, 1-based): chr19:17,832,663, C>T on the plus strand (G>A on the coding strand, the complement: JAK3 is on the minus strand). VCF-style: chr19-17832663-C-T. GRCh37 (hg19) VCF-style: chr19-17943472-C-T.
Other names: short protein forms D846N.
Identifiers: ClinVar variation 1928988 (VCV001928988.2), dbSNP rs1052526, ClinGen allele CA404766452.